The following is an entry in ClinVar:

NM_022081.6(HPS4):c.1703T>C (p.Ile568Thr)

Gene: HPS4 (HPS4 biogenesis of lysosomal organelles complex 3 subunit 2; minus strand). Cytogenetic location: 22q12.1.
Variant type: single nucleotide variant.
Coding change: c.1703T>C on transcript NM_022081.6 (MANE Select); coding-DNA position 1703, T replaced by C.
Protein change: p.Ile568Thr; replaces isoleucine 568 with threonine.
Molecular consequence: missense variant. On other transcripts: non-coding transcript variant (8).
Genome position (GRCh38, 1-based): chr22:26,463,927, A>G on the plus strand (T>C on the coding strand, the complement: HPS4 is on the minus strand). VCF-style: chr22-26463927-A-G. GRCh37 (hg19) VCF-style: chr22-26859893-A-G.
Other names: c.1703T>C, p.Ile568Thr (NM_001349899.2, NM_001349902.1, NM_001349903.2 and 4 more transcripts); c.1757T>C, p.Ile586Thr (NM_001349900.2, NM_001349901.1); c.1688T>C, p.Ile563Thr (NM_152841.2); short protein forms I568T, I563T, I586T.
Identifiers: ClinVar variation 1357945 (VCV001357945.5), dbSNP rs774813995, ClinGen allele CA10163258.
Genomic context (GRCh38, chr22:26,463,927, plus strand): 5'-GAGATCGGCAGAGGCCGCAGAGGGGCAGGAGAAGGTCTGAGGACACTCACCACTTCCTCT[A>G]TGGCTGCGCTGTCTCCCAGCAGCGGCTCCTCAGCCAGCAGGGACAGCACCAGCCCTTTGA-3'
Protein context (NP_071364.4, residues 558-578): EEPLLGDSAA[Ile568Thr]EEVYHSSLAS

ClinVar aggregate classification (germline): Uncertain significance (1 of 4 stars; one submission).

Allele frequency attached by ClinVar (database versions not stated): gnomAD exomes below 0.00001; ExAC 0.00002.
gnomAD v4.1: 6 of 1,613,402 alleles (0.00037%); highest among the groups gnomAD compares: East Asian, 0.0067%; no homozygotes.

Submission:

Labcorp Genetics (formerly Invitae), Labcorp
Classification: Uncertain significance. Last evaluated: 2022-07-25. Review status: criteria provided, single submitter. Criteria: Invitae Variant Classification Sherloc (09022015). Collection method: clinical testing. Allele origin: germline.
Comment: This sequence change replaces isoleucine, which is neutral and non-polar, with threonine, which is neutral and polar, at codon 568 of the HPS4 protein (p.Ile568Thr). This variant is present in population databases (rs774813995, gnomAD 0.01%). This variant has not been reported in the literature in individuals affected with HPS4-related conditions. ClinVar contains an entry for this variant (Variation ID: 1357945). Algorithms developed to predict the effect of missense changes on protein structure and function are either unavailable or do not agree on the potential impact of this missense change (SIFT: "Deleterious"; PolyPhen-2: "Benign"; Align-GVGD: "Class C0"). In summary, the available evidence is currently insufficient to determine the role of this variant in disease. Therefore, it has been classified as a Variant of Uncertain Significance.